The following is an entry in ClinVar:

ClinVar aggregate classification (germline): Benign/Likely benign. Review status: criteria provided, multiple submitters, no conflicts (2 of 4 stars). 3 submissions from 3 submitters: Benign (2); Likely benign (1). Last evaluated 2026-01-17.

Allele frequency attached by ClinVar (database versions not stated): gnomAD 0.00016 and 0.00027; gnomAD exomes 0.00020 and 0.00073; ExAC 0.00081; 1000 Genomes Project 30x 0.00156; 1000 Genomes Project 0.00180.
gnomAD v4.1: 334 of 1,612,470 alleles (0.021%); highest among the groups gnomAD compares: East Asian, 0.69%; 3 homozygotes.

Submissions (3):

Labcorp Genetics (formerly Invitae), Labcorp
Classification: Benign. Last evaluated: 2026-01-17. Review status: criteria provided, single submitter. Criteria: Invitae Variant Classification Sherloc (09022015). Collection method: clinical testing. Allele origin: germline.

CeGaT Center for Human Genetics Tuebingen
Classification: Likely benign. Last evaluated: 2024-09-01. Review status: criteria provided, single submitter. Criteria: CeGaT Center For Human Genetics Tuebingen Variant Classification Criteria Version 2. Collection method: clinical testing. Allele origin: germline. Affected: yes. Observed: 1 variant allele.
Comment: PACS2: BP4, BP7, BS1

Breakthrough Genomics
Classification: Benign. Review status: criteria provided, single submitter. Criteria: ACMG Guidelines, 2015. Collection method: not provided. Allele origin: germline. Inheritance: Autosomal dominant inheritance. Affected: yes.

NM_001100913.3(PACS2):c.147G>A (p.Leu49=)

Gene: PACS2 (phosphofurin acidic cluster sorting protein 2; plus strand). Cytogenetic location: 14q32.33.
Variant type: single nucleotide variant.
Coding change: c.147G>A on transcript NM_001100913.3 (MANE Select); coding-DNA position 147, G replaced by A.
Protein change: p.Leu49=; no amino-acid change (leucine 49 retained).
Molecular consequence: synonymous variant. On other transcripts: 5 prime UTR variant (1).
Genome position (GRCh38, 1-based): chr14:105,348,520, G>A. VCF-style: chr14-105348520-G-A. GRCh37 (hg19) VCF-style: chr14-105814857-G-A.
Other names: c.-55G>A (NM_001243127.3); c.147G>A, p.Leu49= (NM_015197.4).
Identifiers: ClinVar variation 1588206 (VCV001588206.22), dbSNP rs149132057, ClinGen allele CA7388265.
Genomic context (GRCh38, chr14:105,348,520, plus strand): 5'-AGCCCCGAGGCTGAGCTGTGCCTTGCCTCACAGGTTGTGCAGCCTGACTCTGAAGAAGCT[G>A]GTGGTCTTCAAGGAGCTGGAGAAGGAGCTGATCTCCGTGGTGATCGCTGTCAAGATGCAG-3'
Protein context (NP_001094383.2, residues 39-59): PRLCSLTLKK[Leu49=]VVFKELEKEL